The following is an entry in ClinVar:

ClinVar aggregate classification (germline): Conflicting classifications of pathogenicity. Review status: criteria provided, conflicting classifications (1 of 4 stars). 5 submissions from 5 submitters: Uncertain significance (4); Likely benign (1). Last evaluated 2026-08-10.

Conditions:
COL11A2-related disorder. Also called: COL11A2-related condition; COL11A2-related disorders.
Inborn genetic diseases. Identifiers: MedGen C0950123, MeSH D030342.

Allele frequency attached by ClinVar (database versions not stated): ESP Exome Variant Server 0.00008.
gnomAD v4.1: 103 of 1,593,834 alleles (0.0065%); highest among the groups gnomAD compares: Non-Finnish European, 0.0076%; no homozygotes.

Submissions (5):

PreventionGenetics, part of Exact Sciences
Classification: Uncertain significance for COL11A2-related condition. Last evaluated: 2026-08-10. Review status: criteria provided, single submitter. Criteria: ACMG Guidelines, 2015. Collection method: clinical testing. Allele origin: germline.
Comment: The COL11A2 c.3343C>A variant is predicted to result in the amino acid substitution p.Pro1115Thr. To our knowledge, this variant has not been reported in the literature. This variant is reported in 0.0065% of alleles in individuals of European (Non-Finnish) descent in gnomAD. However, in gnomAD v4 (available only on GRCh38), this variant is reported in 103 alleles globally, which is likely too common for a highly penetrant pathogenic variant in autosomal dominant disorder. At this time, the clinical significance of this variant is uncertain due to the absence of conclusive functional and genetic evidence.

Labcorp Genetics (formerly Invitae), Labcorp
Classification: Likely benign. Last evaluated: 2025-12-21. Review status: criteria provided, single submitter. Criteria: Invitae Variant Classification Sherloc (09022015). Collection method: clinical testing. Allele origin: germline.

GeneDx
Classification: Uncertain significance. Last evaluated: 2024-06-11. Review status: criteria provided, single submitter. Criteria: GeneDx Variant Classification Process June 2021. Collection method: clinical testing. Allele origin: germline. Affected: yes.
Comment: Has not been previously published as pathogenic or benign to our knowledge; In silico analysis supports that this missense variant has a deleterious effect on protein structure/function

Revvity Omics, Revvity
Classification: Uncertain significance. Last evaluated: 2023-06-05. Review status: criteria provided, single submitter. Criteria: ACMG Guidelines, 2015. Collection method: clinical testing. Allele origin: germline.

Ambry Genetics
Classification: Uncertain significance for Inborn genetic diseases. Last evaluated: 2021-09-01. Review status: criteria provided, single submitter. Criteria: Ambry Variant Classification Scheme 2023. Collection method: clinical testing. Allele origin: germline.

NM_080680.3(COL11A2):c.3343C>A (p.Pro1115Thr)

Gene: COL11A2 (collagen type XI alpha 2 chain; minus strand). Cytogenetic location: 6p21.32.
Variant type: single nucleotide variant.
Coding change: c.3343C>A on transcript NM_080680.3 (MANE Select); coding-DNA position 3343, C replaced by A.
Protein change: p.Pro1115Thr; replaces proline 1115 with threonine.
Molecular consequence: missense variant.
Genome position (GRCh38, 1-based): chr6:33,171,137, G>T on the plus strand (C>A on the coding strand, the complement: COL11A2 is on the minus strand). VCF-style: chr6-33171137-G-T. GRCh37 (hg19) VCF-style: chr6-33138914-G-T.
Other names: c.3022C>A, p.Pro1008Thr (NM_080679.3); c.3085C>A, p.Pro1029Thr (NM_080681.3); short protein forms P1008T, P1029T, P1115T.
Identifiers: ClinVar variation 1218502 (VCV001218502.19), dbSNP rs372806452, ClinGen allele CA3750545.
Genomic context (GRCh38, chr6:33,171,137, plus strand): 5'-CTGCTGGGCCTTCGGTGGGGGTGGAGGGGTCACTCACCGCTGCTCCAGGCTGCCCCACAG[G>T]ACCAATGGGTCCAGGGGGTCCAGGAGGGCCCTGGGTAAGAGAAGAGAGTCAGAGACACCA-3'
Protein context (NP_542411.2, residues 1105-1125): GPPGPPGPIG[Pro1115Thr]VGQPGAAGAD